The following is an entry in ClinVar:

ClinVar aggregate classification (germline): Uncertain significance (1 of 4 stars; one submission).

Allele frequency attached by ClinVar (database versions not stated): gnomAD 0.00001 and 0.00003; TOPMed 0.00002; gnomAD exomes 0.00007 and 0.00010; ExAC 0.00008.
gnomAD v4.1: 105 of 1,613,896 alleles (0.0065%); highest among the groups gnomAD compares: South Asian, 0.08%; no homozygotes.

Submission:

Labcorp Genetics (formerly Invitae), Labcorp
Classification: Uncertain significance. Last evaluated: 2022-01-18. Review status: criteria provided, single submitter. Criteria: Invitae Variant Classification Sherloc (09022015). Collection method: clinical testing. Allele origin: germline.
Comment: This sequence change replaces threonine, which is neutral and polar, with methionine, which is neutral and non-polar, at codon 266 of the ADAMTSL4 protein (p.Thr266Met). This variant is present in population databases (rs771998925, gnomAD 0.07%). This variant has not been reported in the literature in individuals affected with ADAMTSL4-related conditions. Algorithms developed to predict the effect of missense changes on protein structure and function output the following: SIFT: "Deleterious"; PolyPhen-2: "Benign"; Align-GVGD: "Class C0". The methionine amino acid residue is found in multiple mammalian species, which suggests that this missense change does not adversely affect protein function. In summary, the available evidence is currently insufficient to determine the role of this variant in disease. Therefore, it has been classified as a Variant of Uncertain Significance.

NM_019032.6(ADAMTSL4):c.797C>T (p.Thr266Met)

Genes: ADAMTSL4 (ADAMTS like 4; plus strand), ADAMTSL4-AS2 (ADAMTSL4 antisense RNA 2; minus strand). Cytogenetic location: 1q21.2.
Variant type: single nucleotide variant.
Coding change: c.797C>T on transcript NM_019032.6 (MANE Select); coding-DNA position 797, C replaced by T.
Protein change: p.Thr266Met; replaces threonine 266 with methionine.
Molecular consequence: missense variant.
Genome position (GRCh38, 1-based): chr1:150,553,788, C>T. VCF-style: chr1-150553788-C-T. GRCh37 (hg19) VCF-style: chr1-150526264-C-T.
Other names: c.797C>T, p.Thr266Met (NM_001288607.2, NM_001288608.2, NM_001378596.1 and 1 more transcripts); short protein forms T266M.
Identifiers: ClinVar variation 1492715 (VCV001492715.3), dbSNP rs771998925, ClinGen allele CA1078041.
Genomic context (GRCh38, chr1:150,553,788, plus strand): 5'-CTGCCCCCCTACGGCATCACCCCAGAGCCCAGGCCTCTGGCACAGAGCCCCCCTCACCCA[C>T]GCACTCCTTAGGAGAAGGTGGCTTCTTCCGTGCATCCCCTCAGCCACGAAGGCCAAGTTC-3'
Protein context (NP_061905.2, residues 256-276): QASGTEPPSP[Thr266Met]HSLGEGGFFR